The following is an entry in ClinVar:

ClinVar aggregate classification (germline): Pathogenic. Review status: criteria provided, multiple submitters, no conflicts (2 of 4 stars). 3 submissions from 3 submitters: Pathogenic (3). Last evaluated 2025-08-20.

Conditions:
Hereditary cancer-predisposing syndrome. Also called: Tumor predisposition; Hereditary neoplastic syndrome; Neoplastic Syndromes, Hereditary; Hereditary Cancer Syndrome. Identifiers: Orphanet 140162, MedGen C0027672, MeSH D009386, MONDO:0015356.
Familial cancer of breast. Also called: Hereditary breast cancer; BREAST CANCER, FAMILIAL; hereditary breast carcinoma. Identifiers: Orphanet 227535, MedGen C0346153, MONDO:0016419, OMIM 114480. Disease mechanism: loss of function.

Submissions (3):

Labcorp Genetics (formerly Invitae), Labcorp
Classification: Pathogenic for Familial cancer of breast. Last evaluated: 2025-08-20. Review status: criteria provided, single submitter. Criteria: Invitae Variant Classification Sherloc (09022015). Collection method: clinical testing. Allele origin: germline.
Comment: This sequence change creates a premature translational stop signal (p.Asn444Ilefs*8) in the PALB2 gene. It is expected to result in an absent or disrupted protein product. Loss-of-function variants in PALB2 are known to be pathogenic (PMID: 17200668, 17200671, 17200672, 24136930, 25099575). This variant is not present in population databases (gnomAD no frequency). This variant has not been reported in the literature in individuals affected with PALB2-related conditions. ClinVar contains an entry for this variant (Variation ID: 2673868). For these reasons, this variant has been classified as Pathogenic.

Ambry Genetics
Classification: Pathogenic for Hereditary cancer-predisposing syndrome. Last evaluated: 2024-04-15. Review status: criteria provided, single submitter. Criteria: Ambry Variant Classification Scheme 2023. Collection method: clinical testing. Allele origin: germline.
Comment: The c.1331delA pathogenic mutation, located in coding exon 4 of the PALB2 gene, results from a deletion of one nucleotide at nucleotide position 1331, causing a translational frameshift with a predicted alternate stop codon (p.N444Ifs*8). This variant is considered to be rare based on population cohorts in the Genome Aggregation Database (gnomAD). This alteration is expected to result in loss of function by premature protein truncation or nonsense-mediated mRNA decay. As such, this alteration is interpreted as a disease-causing mutation.

Myriad Genetics, Inc.
Classification: Pathogenic for Familial cancer of breast. Last evaluated: 2023-09-08. Review status: criteria provided, single submitter. Criteria: Myriad Autosomal Dominant, Autosomal Recessive and X-Linked Classification Criteria (2023). Collection method: clinical testing. Allele origin: unknown.
Comment: This variant is considered pathogenic. This variant creates a frameshift predicted to result in premature protein truncation.

Literature cited by the submitters: PubMed 17200668 (cited by Labcorp Genetics (formerly Invitae), Labcorp); PubMed 17200671 (cited by Labcorp Genetics (formerly Invitae), Labcorp); PubMed 17200672 (cited by Labcorp Genetics (formerly Invitae), Labcorp); PubMed 24136930 (cited by Labcorp Genetics (formerly Invitae), Labcorp); PubMed 25099575 (cited by Labcorp Genetics (formerly Invitae), Labcorp).

NM_024675.4(PALB2):c.1331del (p.Asn444fs)

Gene: PALB2 (partner and localizer of BRCA2; minus strand). Cytogenetic location: 16p12.2.
Variant type: Deletion.
Coding change: c.1331del on transcript NM_024675.4 (MANE Select); coding-DNA position 1331, one base deleted (A; older notation c.1331delA).
Protein change: p.Asn444fs; shifts the reading frame from asparagine 444.
Molecular consequence: frameshift variant. On other transcripts: intron variant (3).
Genome position (GRCh38, 1-based): chr16:23,635,215, T deleted on the plus strand (A on the coding strand, the reverse complement: PALB2 is on the minus strand); the first of 5 consecutive T bases (chr16:23,635,215-23,635,219); deleting any one gives the same sequence. VCF-style (leftmost placement, unchanged base first): chr16-23635214-AT-A. GRCh37 (hg19) VCF-style: chr16-23646535-AT-A.
Other names: c.1271del, p.Asn424fs (NM_001407296.1); c.1331del, p.Asn444fs (NM_001407297.1, NM_001407298.1, NM_001407299.1 and 3 more transcripts); c.446del, p.Asn149fs (NM_001407304.1, NM_001407305.1, NM_001407306.1 and 5 more transcripts); c.48+5895del (NM_001407314.1); c.-104-4746del (NM_001407313.1, NM_001407312.1); c.1331delA (NM_024675.3); short protein forms N149fs, N424fs, N444fs.
Identifiers: ClinVar variation 2673868 (VCV002673868.4), dbSNP rs2506481423, ClinGen allele CA2695197486.
Genomic context (GRCh38, chr16:23,635,214, plus strand): 5'-CCTAATTTCACTTTGGTCAGTTTCCTCATTGGAAAGGTTTAAATTTTTACTTGCATCCTT[AT>A]TTTTATTTTTAAACCCTTTTTTCTTGACATCCAAATGACTCTGAATGACAGCCTCCACGG-3'